The following is an entry in ClinVar:

NM_005633.4(SOS1):c.560C>A (p.Ser187Tyr)

Gene: SOS1 (SOS Ras/Rac guanine nucleotide exchange factor 1; minus strand). Cytogenetic location: 2p22.1.
Variant type: single nucleotide variant.
Coding change: c.560C>A on transcript NM_005633.4 (MANE Select); coding-DNA position 560, C replaced by A.
Protein change: p.Ser187Tyr; replaces serine 187 with tyrosine.
Molecular consequence: missense variant.
Genome position (GRCh38, 1-based): chr2:39,054,774, G>T on the plus strand (C>A on the coding strand, the complement: SOS1 is on the minus strand). VCF-style: chr2-39054774-G-T. GRCh37 (hg19) VCF-style: chr2-39281915-G-T.
Other names: c.539C>A, p.Ser180Tyr (NM_001382394.1); c.560C>A, p.Ser187Tyr (NM_001382395.1); short protein forms S187Y, S180Y.
Identifiers: ClinVar variation 1487293 (VCV001487293.10), dbSNP rs730881038, ClinGen allele CA297250.

ClinVar aggregate classification (germline): Conflicting classifications of pathogenicity. Review status: criteria provided, conflicting classifications (1 of 4 stars). 4 submissions from 3 submitters: Uncertain significance (3); Likely benign (1). Last evaluated 2025-11-24.

Conditions:
Cardiovascular phenotype. Identifiers: MedGen CN230736.
RASopathy. Also called: rasopathies; Noonan spectrum disorder. Identifiers: Orphanet 536391, MedGen C5555857, MONDO:0021060.
Fibromatosis, gingival, 1 (GINGF1). Identifiers: Orphanet 2024, MedGen C4551558, MONDO:0007609, OMIM 135300.
Noonan syndrome 4 (NS4). Also called: SOS1-Related Noonan Syndrome; NOONAN SYNDROME WITH PIGMENTED VILLONODULAR SYNOVITIS. Identifiers: Orphanet 648, MedGen C1853120, MONDO:0012547, OMIM 610733.

Allele frequency attached by ClinVar (database versions not stated): TOPMed 0.00001; gnomAD exomes below 0.00001 and 0.00001; ExAC 0.00001.
gnomAD v4.1: 3 of 1,574,880 alleles (0.00019%); highest among the groups gnomAD compares: East Asian, 0.0067%; no homozygotes.

Submissions (4):

Labcorp Genetics (formerly Invitae), Labcorp
Classification: Likely benign for RASopathy. Last evaluated: 2025-11-24. Review status: criteria provided, single submitter. Criteria: Invitae Variant Classification Sherloc (09022015). Collection method: clinical testing. Allele origin: germline.

Ambry Genetics
Classification: Uncertain significance for Cardiovascular phenotype. Last evaluated: 2021-10-11. Review status: criteria provided, single submitter. Criteria: Ambry Variant Classification Scheme 2023. Collection method: clinical testing. Allele origin: germline.
Comment: The p.S187Y variant (also known as c.560C>A), located in coding exon 5 of the SOS1 gene, results from a C to A substitution at nucleotide position 560. The serine at codon 187 is replaced by tyrosine, an amino acid with dissimilar properties. This amino acid position is conserved. In addition, the in silico prediction for this alteration is inconclusive. Since supporting evidence is limited at this time, the clinical significance of this alteration remains unclear.

Genome-Nilou Lab
Classification: Uncertain significance for Noonan syndrome 4. Review status: criteria provided, single submitter. Criteria: ACMG Guidelines, 2015. Collection method: clinical testing. Allele origin: germline.

Genome-Nilou Lab
Classification: Uncertain significance for Fibromatosis, gingival, 1. Review status: criteria provided, single submitter. Criteria: ACMG Guidelines, 2015. Collection method: clinical testing. Allele origin: germline.